The following is an entry in ClinVar:

NM_000070.3(CAPN3):c.2115+2T>C

Gene: CAPN3 (calpain 3; plus strand). Cytogenetic location: 15q15.1.
Variant type: single nucleotide variant.
Coding change: c.2115+2T>C on transcript NM_000070.3 (MANE Select); the canonical splice donor site of the intron after coding-DNA position 2115, T replaced by C.
Molecular consequence: splice donor variant.
Genome position (GRCh38, 1-based): chr15:42,409,997, T>C. VCF-style: chr15-42409997-T-C. GRCh37 (hg19) VCF-style: chr15-42702195-T-C.
Other names: c.2115+2T>C (NM_000070.2); c.2097+2T>C (NM_024344.2); c.1839+2T>C (NM_173087.2); c.579+2T>C (NM_173088.2); c.120+2T>C (NM_173090.2, NM_173089.2).
Identifiers: ClinVar variation 497378 (VCV000497378.7), dbSNP rs1555423060, ClinGen allele CA392001596.
Genomic context (GRCh38, chr15:42,409,997, plus strand): 5'-ACCTGAAGACACACGGGTTCACACTGGAGTCCTGCCGTAGCATGATTGCGCTCATGGATG[T>C]ATCCTTCCTGCCGCCCCTTCCCGACCCTCTGTCATCAGCCCACGGGGGCCAAGGCAACAT-3'

ClinVar aggregate classification (germline): Pathogenic/Likely pathogenic. Review status: criteria provided, multiple submitters, no conflicts (2 of 4 stars). 3 submissions from 3 submitters: Pathogenic (1); Likely pathogenic (2). Last evaluated 2025-11-26.

Conditions:
Muscular dystrophy, limb-girdle, autosomal dominant 4. Also called: MUSCULAR DYSTROPHY, LIMB-GIRDLE, TYPE 1I; Calpain-3-related limb-girdle muscular dystrophy D4. Identifiers: Orphanet 565909, MedGen C4748295, MONDO:0029133, OMIM 618129.
Autosomal recessive limb-girdle muscular dystrophy type 2A (LGMDR1). Also called: LEYDEN-MOEBIUS MUSCULAR DYSTROPHY; MUSCULAR DYSTROPHY, PELVOFEMORAL; Limb-girdle muscular dystrophy, type 2A; Calpainopathy; Muscular dystrophy, limb-girdle, type 2A, Amish. Identifiers: Orphanet 267, MedGen C1869123, MONDO:0009675, OMIM 253600. Disease mechanism: loss of function.

Submissions (3):

Natera, Inc.
Classification: Likely pathogenic for Limb-girdle muscular dystrophy type 2A. Last evaluated: 2025-11-26. Review status: criteria provided, single submitter. Criteria: Natera Variant Classification Schema (03/2026). Collection method: clinical testing. Allele origin: germline.
Comment: The c.2115+2T>C variant in CAPN3 is a canonical splice donor site variant predicted to affect pre-mRNA splicing, which may result in an abnormal transcript and altered protein product. This variant is expected to result in nonsense mediated decay, truncation, or a dysfunctional protein product. This variant is rare in the general population with a frequency below the threshold expected for the associated phenotype(s). Given the available evidence, this variant is classified as Likely Pathogenic.

Baylor Genetics
Classification: Likely pathogenic for Muscular dystrophy, limb-girdle, autosomal dominant 4. Last evaluated: 2023-05-13. Review status: criteria provided, single submitter. Criteria: ACMG Guidelines, 2015. Collection method: clinical testing. Allele origin: unknown.

Eurofins Ntd Llc (ga)
Classification: Pathogenic. Last evaluated: 2016-11-28. Review status: criteria provided, single submitter. Criteria: EGL Classification Definitions 2015. Collection method: clinical testing. Allele origin: germline. Observed: 1 variant allele, 1 heterozygote.